The following is an entry in ClinVar:

ClinVar aggregate classification (germline): Pathogenic (1 of 4 stars; one submission).

Conditions:
Glycogen storage disease, type II (IOPD). Also called: CARDIOMEGALIA GLYCOGENICA DIFFUSA; Glucosidase acid-1,4-alpha deficiency; Pompe Disease; GLYCOGENOSIS, GENERALIZED, CARDIAC FORM; GSD II; Glycogen storage disease type 2. Identifiers: Orphanet 365, MedGen C0017921, MONDO:0009290, OMIM 232300.

Submission:

Labcorp Genetics (formerly Invitae), Labcorp
Classification: Pathogenic for Glycogen storage disease, type II. Last evaluated: 2022-11-01. Review status: criteria provided, single submitter. Criteria: Invitae Variant Classification Sherloc (09022015). Collection method: clinical testing. Allele origin: germline.
Comment: For these reasons, this variant has been classified as Pathogenic. This variant has not been reported in the literature in individuals affected with GAA-related conditions. This variant is not present in population databases (gnomAD no frequency). This sequence change creates a premature translational stop signal (p.Asn520Lysfs*58) in the GAA gene. It is expected to result in an absent or disrupted protein product. Loss-of-function variants in GAA are known to be pathogenic (PMID: 18425781, 22252923).

Literature cited by the submitters: PubMed 18425781; PubMed 22252923.

NM_000152.5(GAA):c.1560del (p.Asn520fs)

Gene: GAA (alpha glucosidase; plus strand). Cytogenetic location: 17q25.3.
Variant type: Deletion.
Coding change: c.1560del on transcript NM_000152.5 (MANE Select); coding-DNA position 1560, one base deleted (C; older notation c.1560delC).
Protein change: p.Asn520fs; shifts the reading frame from asparagine 520.
Molecular consequence: frameshift variant.
Genome position (GRCh38, 1-based): chr17:80,110,949, C deleted. VCF-style (leftmost placement, unchanged base first): chr17-80110948-AC-A. GRCh37 (hg19) VCF-style: chr17-78084747-AC-A.
Other names: c.1560del, p.Asn520fs (NM_001079803.3, NM_001079804.3, NM_001406741.1 and 1 more transcripts); short protein forms N520fs.
Identifiers: ClinVar variation 2811130 (VCV002811130.3), dbSNP rs2510374682, ClinGen allele CA2739268477.